The following is an entry in ClinVar:

ClinVar aggregate classification (germline): Pathogenic (1 of 4 stars; one submission).

Conditions:
Hereditary cancer-predisposing syndrome. Also called: Neoplastic Syndromes, Hereditary; Tumor predisposition; Hereditary Cancer Syndrome; Hereditary neoplastic syndrome. Identifiers: Orphanet 140162, MedGen C0027672, MeSH D009386, MONDO:0015356.

Submission:

Ambry Genetics
Classification: Pathogenic for Hereditary cancer-predisposing syndrome. Last evaluated: 2021-12-04. Review status: criteria provided, single submitter. Criteria: Ambry Variant Classification Scheme 2023. Collection method: clinical testing. Allele origin: germline.
Comment: The c.3567dupA pathogenic mutation, located in coding exon 7 of the MSH6 gene, results from a duplication of A at nucleotide position 3567, causing a translational frameshift with a predicted alternate stop codon (p.F1190Ifs*4). This variant is considered to be rare based on population cohorts in the Genome Aggregation Database (gnomAD). This alteration is expected to result in loss of function by premature protein truncation or nonsense-mediated mRNA decay. As such, this alteration is interpreted as a disease-causing mutation.

NM_000179.3(MSH6):c.3567dup (p.Phe1190fs)

Gene: MSH6 (mutS homolog 6; plus strand). Cytogenetic location: 2p16.3.
Variant type: Duplication.
Coding change: c.3567dup on transcript NM_000179.3 (MANE Select); coding-DNA position 3567, one base duplicated (A; older notation c.3567dupA).
Protein change: p.Phe1190fs; shifts the reading frame from phenylalanine 1190.
Molecular consequence: frameshift variant.
Genome position (GRCh38, 1-based): chr2:47,805,628, A duplicated. VCF-style (leftmost placement, unchanged base first): chr2-47805627-C-CA. GRCh37 (hg19) VCF-style: chr2-48032766-C-CA.
Other names: c.3177dup, p.Phe1060fs (NM_001281492.2); c.2661dup, p.Phe888fs (NM_001281493.2, NM_001281494.2); c.3663dup, p.Phe1222Ilefs (NM_001406795.1, NM_001406802.1); c.3567dup, p.Phe1190Ilefs (NM_001406796.1, NM_001406800.1, NM_001406808.1 and 1 more transcripts); c.3270dup, p.Phe1091Ilefs (NM_001406797.1, NM_001406801.1, NM_001406805.1 and 10 more transcripts); c.3393dup, p.Phe1132Ilefs (NM_001406798.1); c.3042dup, p.Phe1015Ilefs (NM_001406799.1, NM_001406806.1, NM_001406807.1); c.2703dup, p.Phe902Ilefs (NM_001406803.1); and 9 more; short protein forms F1060fs, F1190fs, F888fs.
Identifiers: ClinVar variation 1732753 (VCV001732753.2), dbSNP rs2530821547, ClinGen allele CA2580067233.
Genomic context (GRCh38, chr2:47,805,627, plus strand): 5'-GTAATATGATTTGCAAAATGAGTATTCATTTGTGATTTTTTTTTTTTTAAGGTGAAAGTA[C>CA]ATTTTTTGTTGAATTAAGTGAAACTGCCAGCATACTCATGCATGCAACAGCACATTCTCT-3'